The following is an entry in ClinVar:

NM_021008.4(DEAF1):c.776C>T (p.Ala259Val)

Gene: DEAF1 (DEAF1 transcription factor; minus strand). Cytogenetic location: 11p15.5.
Variant type: single nucleotide variant.
Coding change: c.776C>T on transcript NM_021008.4 (MANE Select); coding-DNA position 776, C replaced by T.
Protein change: p.Ala259Val; replaces alanine 259 with valine.
Molecular consequence: missense variant. On other transcripts: intron variant (1).
Genome position (GRCh38, 1-based): chr11:686,886, G>A on the plus strand (C>T on the coding strand, the complement: DEAF1 is on the minus strand). VCF-style: chr11-686886-G-A. GRCh37 (hg19) VCF-style: chr11-686886-G-A.
Other names: c.50C>T, p.Ala17Val (NM_001367390.1, NM_001440885.1, NM_001440886.1 and 1 more transcripts); c.776C>T, p.Ala259Val (NM_001440883.1, NM_001440884.1); c.664+1025C>T (NM_001293634.2); short protein forms A259V, A17V.
Identifiers: ClinVar variation 592120 (VCV000592120.7), dbSNP rs1564949612, ClinGen allele CA378931933.

ClinVar aggregate classification (germline): Uncertain significance. Review status: criteria provided, multiple submitters, no conflicts (2 of 4 stars). 3 submissions from 3 submitters: Uncertain significance (2). 1 of the submissions does not count toward it. Last evaluated 2023-12-08.

Conditions:
Intellectual disability-epilepsy-extrapyramidal syndrome (NEDHELS). Also called: Dyskinesia, seizures, and intellectual developmental disorder. Identifiers: Orphanet 468620, MedGen C4310683, MONDO:0014952, OMIM 617171.
Intellectual disability, autosomal dominant 24 (VSVS). Also called: VULTO-VAN SILFHOUT-DE VRIES SYNDROME. Identifiers: MedGen C4014414, MONDO:0014357, OMIM 615828.

Allele frequency attached by ClinVar (database versions not stated): gnomAD exomes below 0.00001; gnomAD 0.00001.
gnomAD v4.1: 4 of 1,614,090 alleles (0.00025%); highest among the groups gnomAD compares: East Asian, 0.0022%; no homozygotes.

Submissions (3):

3billion
Classification: Uncertain significance for Intellectual disability-epilepsy-extrapyramidal syndrome. Last evaluated: 2023-12-08. Review status: criteria provided, single submitter. Criteria: ACMG Guidelines, 2015. Collection method: clinical testing. Allele origin: germline. Affected: yes.
Comment: The variant is observed at an extremely low frequency in the gnomAD v2.1.1 dataset (total allele frequency: <0.001%). Predicted Consequence/Location: Missense variant Damaging effect on gene or gene product predicted by in silico programs is uncertain [3Cnet: 0.36 (damaging >=0.6, benign <0.15)]. Therefore, this variant is classified as VUS according to the recommendation of ACMG/AMP guideline.

Labcorp Genetics (formerly Invitae), Labcorp
Classification: Uncertain significance. Last evaluated: 2022-07-03. Review status: criteria provided, single submitter. Criteria: Invitae Variant Classification Sherloc (09022015). Collection method: clinical testing. Allele origin: germline.
Comment: In summary, the available evidence is currently insufficient to determine the role of this variant in disease. Therefore, it has been classified as a Variant of Uncertain Significance. Advanced modeling of protein sequence and biophysical properties (such as structural, functional, and spatial information, amino acid conservation, physicochemical variation, residue mobility, and thermodynamic stability) performed at Invitae indicates that this missense variant is expected to disrupt DEAF1 protein function. ClinVar contains an entry for this variant (Variation ID: 592120). This variant has not been reported in the literature in individuals affected with DEAF1-related conditions. This variant is not present in population databases (gnomAD no frequency). This sequence change replaces alanine, which is neutral and non-polar, with valine, which is neutral and non-polar, at codon 259 of the DEAF1 protein (p.Ala259Val).

Biochemical Molecular Genetic Laboratory, King Abdulaziz Medical City
Classification: Uncertain significance for Intellectual disability, autosomal dominant 24. Last evaluated: 2018-06-04. Review status: no assertion criteria provided. Collection method: clinical testing. Allele origin: germline. Affected: yes. Not counted in ClinVar's aggregate classification.